The following is an entry in ClinVar:

ClinVar aggregate classification (germline): Conflicting classifications of pathogenicity. Review status: criteria provided, conflicting classifications (1 of 4 stars). 2 submissions from 2 submitters: Uncertain significance (1); Likely benign (1). Last evaluated 2026-03-16.

Conditions:
Cardiomyopathy (CMYO). Also called: Cardiomyopathies. Identifiers: Orphanet 167848, MedGen C0878544, MONDO:0004994, HP:0001638. Inheritance: Various modes of inheritance.
Hypertrophic cardiomyopathy 16. Identifiers: MedGen C3151204, MONDO:0013455, OMIM 613838.

Allele frequency attached by ClinVar (database versions not stated): gnomAD exomes below 0.00001; ExAC 0.00001.
gnomAD v4.1: 6 of 1,613,896 alleles (0.00037%); highest among the groups gnomAD compares: South Asian, 0.0066%; no homozygotes.

Submissions (2):

Centre for Medical Genetics,  Mumbai
Classification: Likely benign for Hypertrophic cardiomyopathy 16. Last evaluated: 2026-03-16. Review status: criteria provided, single submitter. Criteria: ACMG Guidelines, 2015. Collection method: provider interpretation. Allele origin: germline. Inheritance: Autosomal dominant inheritance. Affected: no. Observed: 1 variant allele, 1 heterozygote.
Comment: The variant satisfies PM2 criteria; Extremely low frequency in gnomAD population databases. The variant satisfies BP4 criteria; For a missense or a splice region variant, computational prediction tools unanimously support a benign effect on the gene. However, the variant satisfies BS2 criteria.

CHEO Genetics Diagnostic Laboratory, Children's Hospital of Eastern Ontario
Classification: Uncertain significance for Cardiomyopathy. Last evaluated: 2021-01-22. Review status: criteria provided, single submitter. Criteria: ACMG Guidelines, 2015. Collection method: clinical testing. Allele origin: germline.

Literature cited by the submitters: PubMed 17347475 (cited by Centre for Medical Genetics,  Mumbai).

NM_016599.5(MYOZ2):c.106G>C (p.Val36Leu)

Gene: MYOZ2 (myozenin 2; plus strand). Cytogenetic location: 4q26.
Variant type: single nucleotide variant.
Coding change: c.106G>C on transcript NM_016599.5 (MANE Select); coding-DNA position 106, G replaced by C.
Protein change: p.Val36Leu; replaces valine 36 with leucine.
Molecular consequence: missense variant.
Genome position (GRCh38, 1-based): chr4:119,150,901, G>C. VCF-style: chr4-119150901-G-C. GRCh37 (hg19) VCF-style: chr4-120072056-G-C.
Other names: short protein forms V36L.
Identifiers: ClinVar variation 1329303 (VCV001329303.3), dbSNP rs763449906, ClinGen allele CA3058547.